The following is an entry in ClinVar:

ClinVar aggregate classification (germline): Conflicting classifications of pathogenicity. Review status: criteria provided, conflicting classifications (1 of 4 stars). 2 submissions from 2 submitters: Uncertain significance (1); Likely benign (1). Last evaluated 2024-10-29.

Conditions:
Hereditary nonpolyposis colorectal neoplasms. Identifiers: MedGen C0009405, MeSH D003123.

Submissions (2):

Labcorp Genetics (formerly Invitae), Labcorp
Classification: Likely benign for Hereditary nonpolyposis colorectal neoplasms. Last evaluated: 2024-10-29. Review status: criteria provided, single submitter. Criteria: Invitae Variant Classification Sherloc (09022015). Collection method: clinical testing. Allele origin: germline.

GeneDx
Classification: Uncertain significance. Last evaluated: 2017-01-19. Review status: criteria provided, single submitter. Criteria: GeneDx Variant Classification (06012015). Collection method: clinical testing. Allele origin: germline. Affected: yes.
Comment: This variant is denoted PMS2 c.164-13_164-12delTT or IVS2-13_IVS2-12delTT and consists of a deletion of two nucleotides at the -12 to -13 position in intron 2 of the PMS2 gene. The normal sequence with the bases that are deleted in brackets is tatt[deltt]aaac. This variant has not, to our knowledge, been published in the literature as pathogenic or benign. Multiple in silico models predict this variant to damage the nearby natural acceptor site and to possibly cause abnormal gene splicing. However, in the absence of RNA or functional studies, the actual effect of this variant is unknown. PMS2 c.164-13_164-12delTT was not observed in approximately 6,500 individuals of European and African American ancestry in the NHLBI Exome Sequencing Project, suggesting it is not a common benign variant in these populations. The nucleotides that are deleted are not conserved across species. Based on currently available information, it is unclear whether PMS2 c.164-13_164-12delTT is pathogenic or benign. We consider it to be a variant of uncertain significance.

NM_000535.7(PMS2):c.164-13_164-12del

Gene: PMS2 (PMS1 homolog 2, mismatch repair system component; minus strand). Cytogenetic location: 7p22.1.
Variant type: Deletion.
Coding change: c.164-13_164-12del on transcript NM_000535.7 (MANE Select); 13 bases into the intron before coding-DNA position 164 through 12 bases into the intron before coding-DNA position 164, 2 bases deleted (TT; older notation c.164-13_164-12delTT).
Molecular consequence: intron variant.
Genome position (GRCh38, 1-based): chr7:6,004,070-6,004,071, AA deleted on the plus strand (TT on the coding strand, the reverse complement: PMS2 is on the minus strand); deleting any 2 consecutive bases within chr7:6,004,070-6,004,073 gives the same sequence; the c. name uses the placement nearest the transcript's 3' end. VCF-style (leftmost placement, unchanged base first): chr7-6004069-TAA-T. GRCh37 (hg19) VCF-style: chr7-6043700-TAA-T.
Other names: c.164-13_164-12delTT (NM_000535.5); c.-52-13_-52-12del (NM_001322008.2, NM_001322007.2); c.-242-13_-242-12del (NM_001322010.2, NM_001322004.2, NM_001322013.2 and 3 more transcripts); c.-721-13_-721-12del (NM_001322012.2, NM_001322011.2); c.-321-13_-321-12del (NM_001322015.2); c.164-13_164-12del (NM_001322006.2, NM_001322014.2).
Identifiers: ClinVar variation 423127 (VCV000423127.4), dbSNP rs1064796250, ClinGen allele CA16618541.
Genomic context (GRCh38, chr7:6,004,069, plus strand): 5'-ATTGTCTGAAACTTCAATAAGATCCACTCCATAGTCCTTAAGCTTTAGATCTAGAAAGTT[TAA>T]AATATTTACATATTTATTAAAAACGGACCCATGCTATCAGTTTTTATATTGACATTATTT-3'